The following is an entry in ClinVar:

ClinVar aggregate classification (germline): Uncertain significance (1 of 4 stars; one submission).

gnomAD v4.1: 1 of 1,597,578 alleles (0.000063%); highest among the groups gnomAD compares: Middle Eastern, 0.017%; no homozygotes.

Submission:

Labcorp Genetics (formerly Invitae), Labcorp
Classification: Uncertain significance. Last evaluated: 2024-04-19. Review status: criteria provided, single submitter. Criteria: Invitae Variant Classification Sherloc (09022015). Collection method: clinical testing. Allele origin: germline.
Comment: This sequence change falls in intron 5 of the SEC61A1 gene. It does not directly change the encoded amino acid sequence of the SEC61A1 protein. This variant is not present in population databases (gnomAD no frequency). This variant has not been reported in the literature in individuals affected with SEC61A1-related conditions. Algorithms developed to predict the effect of sequence changes on RNA splicing suggest that this variant may disrupt the consensus splice site. In summary, the available evidence is currently insufficient to determine the role of this variant in disease. Therefore, it has been classified as a Variant of Uncertain Significance.

NM_013336.4(SEC61A1):c.353-13C>G

Gene: SEC61A1 (SEC61 translocon subunit alpha 1; plus strand). Cytogenetic location: 3q21.3.
Variant type: single nucleotide variant.
Coding change: c.353-13C>G on transcript NM_013336.4 (MANE Select); 13 bases into the intron before coding-DNA position 353, C replaced by G.
Molecular consequence: intron variant.
Genome position (GRCh38, 1-based): chr3:128,060,089, C>G. VCF-style: chr3-128060089-C-G. GRCh37 (hg19) VCF-style: chr3-127778932-C-G.
Other names: c.371-13C>G (NM_001400328.1); c.194-13C>G (NM_001400329.1).
Identifiers: ClinVar variation 3609554 (VCV003609554.2).